The following is an entry in ClinVar:

ClinVar aggregate classification (germline): Uncertain significance (1 of 4 stars; one submission).

Submission:

GeneDx
Classification: Uncertain significance. Last evaluated: 2019-10-30. Review status: criteria provided, single submitter. Criteria: GeneDx Variant Classification Process June 2021. Collection method: clinical testing. Allele origin: germline. Affected: yes.
Comment: Not observed in large population cohorts (Lek et al., 2016); In silico analysis, which includes protein predictors and evolutionary conservation, supports a deleterious effect; Has not been previously published as pathogenic or benign to our knowledge

NM_001349253.2(SCN11A):c.2011T>C (p.Ser671Pro)

Gene: SCN11A (sodium voltage-gated channel alpha subunit 11; minus strand). Cytogenetic location: 3p22.2.
Variant type: single nucleotide variant.
Coding change: c.2011T>C on transcript NM_001349253.2 (MANE Select); coding-DNA position 2011, T replaced by C.
Protein change: p.Ser671Pro; replaces serine 671 with proline.
Molecular consequence: missense variant.
Genome position (GRCh38, 1-based): chr3:38,899,905, A>G on the plus strand (T>C on the coding strand, the complement: SCN11A is on the minus strand). VCF-style: chr3-38899905-A-G. GRCh37 (hg19) VCF-style: chr3-38941396-A-G.
Other names: c.2011T>C, p.Ser671Pro (NM_014139.3); short protein forms S671P.
Identifiers: ClinVar variation 1304093 (VCV001304093.2), dbSNP rs2126120886, ClinGen allele CA352160956.